The following is an entry in ClinVar:

ClinVar aggregate classification (germline): Uncertain significance (1 of 4 stars; one submission).

gnomAD v4.1: 6 of 1,608,242 alleles (0.00037%); highest among the groups gnomAD compares: South Asian, 0.0066%; no homozygotes.

Submission:

Labcorp Genetics (formerly Invitae), Labcorp
Classification: Uncertain significance. Last evaluated: 2024-02-09. Review status: criteria provided, single submitter. Criteria: Invitae Variant Classification Sherloc (09022015). Collection method: clinical testing. Allele origin: germline.
Comment: This sequence change replaces serine, which is neutral and polar, with phenylalanine, which is neutral and non-polar, at codon 173 of the SLC46A1 protein (p.Ser173Phe). This variant is present in population databases (rs561344388, gnomAD 0.02%). This variant has not been reported in the literature in individuals affected with SLC46A1-related conditions. Advanced modeling of protein sequence and biophysical properties (such as structural, functional, and spatial information, amino acid conservation, physicochemical variation, residue mobility, and thermodynamic stability) performed at Invitae indicates that this missense variant is not expected to disrupt SLC46A1 protein function with a negative predictive value of 80%. In summary, the available evidence is currently insufficient to determine the role of this variant in disease. Therefore, it has been classified as a Variant of Uncertain Significance.

NM_080669.6(SLC46A1):c.518C>T (p.Ser173Phe)

Gene: SLC46A1 (solute carrier family 46 member 1; minus strand). Cytogenetic location: 17q11.2.
Variant type: single nucleotide variant.
Coding change: c.518C>T on transcript NM_080669.6 (MANE Select); coding-DNA position 518, C replaced by T.
Protein change: p.Ser173Phe; replaces serine 173 with phenylalanine.
Molecular consequence: missense variant.
Genome position (GRCh38, 1-based): chr17:28,405,179, G>A on the plus strand (C>T on the coding strand, the complement: SLC46A1 is on the minus strand). VCF-style: chr17-28405179-G-A. GRCh37 (hg19) VCF-style: chr17-26732197-G-A.
Other names: c.518C>T, p.Ser173Phe (NM_001242366.3); short protein forms S173F.
Identifiers: ClinVar variation 3680085 (VCV003680085.2).